The following is an entry in ClinVar:

NM_006941.4(SOX10):c.429-2A>C

Genes: POLR2F (RNA polymerase II, I and III subunit F; plus strand), SOX10 (SRY-box transcription factor 10; minus strand). Cytogenetic location: 22q13.1.
Variant type: single nucleotide variant.
Coding change: c.429-2A>C on transcript NM_006941.4 (MANE Select); the canonical splice acceptor site of the intron before coding-DNA position 429, A replaced by C.
Molecular consequence: splice acceptor variant. On other transcripts: intron variant (3).
Genome position (GRCh38, 1-based): chr22:37,978,137, T>G on the plus strand (A>C on the coding strand, the complement: SOX10 is on the minus strand). VCF-style: chr22-37978137-T-G. GRCh37 (hg19) VCF-style: chr22-38374144-T-G.
Other names: c.*38+5827T>G (NM_001363825.1); c.294-8017T>G (NM_001301130.2); c.293+10967T>G (NM_001301131.2).
Identifiers: ClinVar variation 3601837 (VCV003601837.1).
Genomic context (GRCh38, chr22:37,978,137, plus strand): 5'-GCATACGGAGCCGCTCAGCCTCCTCGATGAAGGGGCGCTTGTCACTTTCGTTCAGCAGCC[T>G]GGGGTGTGGTGGGAGGCGGAGAGGACAGCAGAGGGGCTGGCGTGAATGCCAGAGCACTCC-3'

ClinVar aggregate classification (germline): Pathogenic (1 of 4 stars; one submission).

Conditions:
Waardenburg syndrome type 4C (WS4C). Also called: WAARDENBURG SYNDROME WITH HIRSCHSPRUNG DISEASE, TYPE 4C. Identifiers: Orphanet 897, MedGen C2750452, MONDO:0013202, OMIM 613266.

Submission:

Institute of Rare Diseases, West China Hospital, Sichuan University
Classification: Pathogenic for Waardenburg syndrome type 4C. Last evaluated: 2025-01-09. Review status: criteria provided, single submitter. Criteria: ClinGen HL ACMG Specifications v1. Collection method: research. Allele origin: germline. Affected: yes.
Comment: PM1;PVS1;PP4;PM2_Supporting